The following is an entry in ClinVar:

NM_001128159.3(VPS53):c.219-294G>T

Gene: VPS53 (VPS53 subunit of GARP complex; minus strand). Cytogenetic location: 17p13.3.
Variant type: single nucleotide variant.
Coding change: c.219-294G>T on transcript NM_001128159.3 (MANE Select); 294 bases into the intron before coding-DNA position 219, G replaced by T.
Molecular consequence: intron variant.
Genome position (GRCh38, 1-based): chr17:697,778, C>A on the plus strand (G>T on the coding strand, the complement: VPS53 is on the minus strand). VCF-style: chr17-697778-C-A. GRCh37 (hg19) VCF-style: chr17-601018-C-A.
Other names: c.219-294G>T (NM_018289.4, NM_001366253.2); c.-474-294G>T (NM_001366254.2).
Identifiers: ClinVar variation 667584 (VCV000667584.1), dbSNP rs2740362, ClinGen allele CA286673789.

ClinVar aggregate classification (germline): Benign (1 of 4 stars; one submission).

Allele frequency attached by ClinVar (database versions not stated): 1000 Genomes Project 30x 0.98907; TOPMed 0.98935; gnomAD 0.98976 and 0.99049; 1000 Genomes Project 0.99042.
gnomAD v4.1: 150,880 of 152,310 alleles (99%); highest among the groups gnomAD compares: Middle Eastern, 100%; 74,756 homozygotes.

Submission:

GeneDx
Classification: Benign. Last evaluated: 2018-06-19. Review status: criteria provided, single submitter. Criteria: GeneDx Variant Classification (06012015). Collection method: clinical testing. Allele origin: germline. Affected: yes.
Comment: This variant is considered likely benign or benign based on one or more of the following criteria: it is a conservative change, it occurs at a poorly conserved position in the protein, it is predicted to be benign by multiple in silico algorithms, and/or has population frequency not consistent with disease.